The following is an entry in ClinVar:

ClinVar aggregate classification (germline): Uncertain significance (1 of 4 stars; one submission).

Conditions:
Long QT syndrome (LQTS). Identifiers: MedGen C0023976, MeSH D008133, MONDO:0002442. Disease mechanism: loss of function. Inheritance: Various modes of inheritance.

Submission:

Labcorp Genetics (formerly Invitae), Labcorp
Classification: Uncertain significance for Long QT syndrome. Last evaluated: 2024-09-26. Review status: criteria provided, single submitter. Criteria: Invitae Variant Classification Sherloc (09022015). Collection method: clinical testing. Allele origin: germline.
Comment: This sequence change replaces serine, which is neutral and polar, with glycine, which is neutral and non-polar, at codon 1294 of the CACNA1C protein (p.Ser1294Gly). This variant is not present in population databases (gnomAD no frequency). This variant has not been reported in the literature in individuals affected with CACNA1C-related conditions. Invitae Evidence Modeling of protein sequence and biophysical properties (such as structural, functional, and spatial information, amino acid conservation, physicochemical variation, residue mobility, and thermodynamic stability) has been performed for this missense variant. However, the output from this modeling did not meet the statistical confidence thresholds required to predict the impact of this variant on CACNA1C protein function. In summary, the available evidence is currently insufficient to determine the role of this variant in disease. Therefore, it has been classified as a Variant of Uncertain Significance.

NM_000719.7(CACNA1C):c.3880A>G (p.Ser1294Gly)

Gene: CACNA1C (calcium voltage-gated channel subunit alpha1 C; plus strand). Cytogenetic location: 12p13.33.
Variant type: single nucleotide variant.
Coding change: c.3880A>G on transcript NM_000719.7 (MANE Select); coding-DNA position 3880, A replaced by G.
Protein change: p.Ser1294Gly; replaces serine 1294 with glycine.
Molecular consequence: missense variant. On other transcripts: intron variant (6).
Genome position (GRCh38, 1-based): chr12:2,634,348, A>G. VCF-style: chr12-2634348-A-G. GRCh37 (hg19) VCF-style: chr12-2743514-A-G.
Other names: c.4024A>G, p.Ser1342Gly (NM_001129827.2, NM_199460.4); c.3880A>G, p.Ser1294Gly (NM_001129829.2, NM_001129830.3, NM_001129834.2 and 8 more transcripts); c.3964A>G, p.Ser1322Gly (NM_001129831.2, NM_001129836.2); c.3940A>G, p.Ser1314Gly (NM_001129832.2); c.3912+636A>G (NM_001167624.3, NM_001167623.2, NM_001129833.2 and 2 more transcripts); c.3903+636A>G (NM_001129844.2); short protein forms S1342G, S1314G, S1322G, S1294G.
Identifiers: ClinVar variation 3635028 (VCV003635028.2).
Genomic context (GRCh38, chr12:2,634,348, plus strand): 5'-CCCATGCAGCACTATTTCTGTGATGCATGGAATACATTTGACGCCTTGATTGTTGTGGGT[A>G]GCATTGTTGATATAGCAATCACCGAGGTAAACGTAAGTACATGGCGTCTGTCCCTAACCG-3'
Protein context (NP_000710.5, residues 1284-1304): NTFDALIVVG[Ser1294Gly]IVDIAITEVN